The following is an entry in ClinVar:

ClinVar aggregate classification (germline): Uncertain significance. Review status: criteria provided, multiple submitters, no conflicts (2 of 4 stars). 2 submissions from 2 submitters: Uncertain significance (2). Last evaluated 2024-11-11.

Conditions:
Erythrocytosis, familial, 3 (ECYT3). Identifiers: Orphanet 247511, MedGen C1853286, MONDO:0012353, OMIM 609820.

gnomAD v4.1: 4 of 1,614,168 alleles (0.00025%); highest among the groups gnomAD compares: Non-Finnish European, 0.00034%; no homozygotes.

Submissions (2):

Ambry Genetics
Classification: Uncertain significance. Last evaluated: 2024-11-11. Review status: criteria provided, single submitter. Criteria: Ambry Variant Classification Scheme 2023. Collection method: clinical testing. Allele origin: germline.
Comment: The p.S247W variant (also known as c.740C>G), located in coding exon 1 of the EGLN1 gene, results from a C to G substitution at nucleotide position 740. The serine at codon 247 is replaced by tryptophan, an amino acid with highly dissimilar properties. This amino acid position is highly conserved in available vertebrate species. In addition, this alteration is predicted to be tolerated by in silico analysis. The evidence for this gene-disease relationship is limited; therefore, the clinical significance of this alteration is unclear.

Labcorp Genetics (formerly Invitae), Labcorp
Classification: Uncertain significance for Erythrocytosis, familial, 3. Last evaluated: 2023-08-16. Review status: criteria provided, single submitter. Criteria: Invitae Variant Classification Sherloc (09022015). Collection method: clinical testing. Allele origin: germline.
Comment: This variant is not present in population databases (gnomAD no frequency). This sequence change replaces serine, which is neutral and polar, with tryptophan, which is neutral and slightly polar, at codon 247 of the EGLN1 protein (p.Ser247Trp). This missense change has been observed in individual(s) with clinical features of EGLN1-related conditions (PMID: 20959442). In summary, the available evidence is currently insufficient to determine the role of this variant in disease. Therefore, it has been classified as a Variant of Uncertain Significance. An algorithm developed to predict the effect of missense changes on protein structure and function (PolyPhen-2) suggests that this variant is likely to be disruptive.

Literature cited by the submitters: PubMed 20959442 (cited by Labcorp Genetics (formerly Invitae), Labcorp).

NM_022051.3(EGLN1):c.740C>G (p.Ser247Trp)

Gene: EGLN1 (egl-9 family hypoxia inducible factor 1; minus strand). Cytogenetic location: 1q42.2.
Variant type: single nucleotide variant.
Coding change: c.740C>G on transcript NM_022051.3 (MANE Select); coding-DNA position 740, C replaced by G.
Protein change: p.Ser247Trp; replaces serine 247 with tryptophan.
Molecular consequence: missense variant.
Genome position (GRCh38, 1-based): chr1:231,421,149, G>C on the plus strand (C>G on the coding strand, the complement: EGLN1 is on the minus strand). VCF-style: chr1-231421149-G-C. GRCh37 (hg19) VCF-style: chr1-231556895-G-C.
Other names: c.740C>G, p.Ser247Trp (NM_001377260.1, NM_001377261.1); c.740C>G (NM_022051.2); short protein forms S247W.
Identifiers: ClinVar variation 2716039 (VCV002716039.4), dbSNP rs1354633033, ClinGen allele CA345235488.